The following is an entry in ClinVar:

ClinVar aggregate classification (germline): Uncertain significance (1 of 4 stars; one submission).

Conditions:
Catecholaminergic polymorphic ventricular tachycardia (CVPT). Also called: Catecholamine-induced polymorphic ventricular tachycardia. Identifiers: Orphanet 3286, MedGen C5574922, MONDO:0017990.

Submission:

Labcorp Genetics (formerly Invitae), Labcorp
Classification: Uncertain significance for Catecholaminergic polymorphic ventricular tachycardia. Last evaluated: 2018-06-01. Review status: criteria provided, single submitter. Criteria: Invitae Variant Classification Sherloc (09022015). Collection method: clinical testing. Allele origin: germline.
Comment: This sequence change replaces cysteine with tyrosine at codon 501 of the RYR2 protein (p.Cys501Tyr). The cysteine residue is highly conserved and there is a large physicochemical difference between cysteine and tyrosine. This variant is not present in population databases (ExAC no frequency). This variant has not been reported in the literature in individuals with RYR2-related disease. Algorithms developed to predict the effect of missense changes on protein structure and function (SIFT, PolyPhen-2, Align-GVGD) all suggest that this variant is likely to be disruptive, but these predictions have not been confirmed by published functional studies and their clinical significance is uncertain. In summary, the available evidence is currently insufficient to determine the role of this variant in disease. Therefore, it has been classified as a Variant of Uncertain Significance.

NM_001035.3(RYR2):c.1502G>A (p.Cys501Tyr)

Gene: RYR2 (ryanodine receptor 2; plus strand). Cytogenetic location: 1q43.
Variant type: single nucleotide variant.
Coding change: c.1502G>A on transcript NM_001035.3 (MANE Select); coding-DNA position 1502, G replaced by A.
Protein change: p.Cys501Tyr; replaces cysteine 501 with tyrosine.
Molecular consequence: missense variant.
Genome position (GRCh38, 1-based): chr1:237,456,625, G>A. VCF-style: chr1-237456625-G-A. GRCh37 (hg19) VCF-style: chr1-237619925-G-A.
Other names: c.1502G>A, p.Cys501Tyr (LRG_402t1); short protein forms C501Y.
Identifiers: ClinVar variation 582064 (VCV000582064.2), dbSNP rs1558850485, ClinGen allele CA345381343.
Genomic context (GRCh38, chr1:237,456,625, plus strand): 5'-TCTGATTGTGATTTTTTTTTTTTTTAACGTTCCAGGGAATGATCAACCTCGTGCTTGAGT[G>A]CATAGACCGTTTGCACGTCTACAGCAGTGCAGCACACTTTGCTGATGTTGCTGGGCGAGA-3'
Protein context (NP_001026.2, residues 491-511): EEGMINLVLE[Cys501Tyr]IDRLHVYSSA